The following is an entry in ClinVar:

ClinVar aggregate classification (germline): Uncertain significance. Review status: criteria provided, multiple submitters, no conflicts (2 of 4 stars). 2 submissions from 2 submitters: Uncertain significance (2). Last evaluated 2025-08-15.

Conditions:
Inborn genetic diseases. Identifiers: MedGen C0950123, MeSH D030342.

Allele frequency attached by ClinVar (database versions not stated): ExAC 0.00008; gnomAD 0.00003; TOPMed 0.00005.
gnomAD v4.1: 18 of 1,613,546 alleles (0.0011%); highest among the groups gnomAD compares: East Asian, 0.04%; no homozygotes.

Submissions (2):

Labcorp Genetics (formerly Invitae), Labcorp
Classification: Uncertain significance. Last evaluated: 2025-08-15. Review status: criteria provided, single submitter. Criteria: Invitae Variant Classification Sherloc (09022015). Collection method: clinical testing. Allele origin: germline.
Comment: This sequence change replaces alanine, which is neutral and non-polar, with threonine, which is neutral and polar, at codon 456 of the C6 protein (p.Ala456Thr). This variant is present in population databases (rs775236328, gnomAD 0.1%). This variant has not been reported in the literature in individuals affected with C6-related conditions. ClinVar contains an entry for this variant (Variation ID: 1957876). An algorithm developed to predict the effect of missense changes on protein structure and function (PolyPhen-2) suggests that this variant is likely to be disruptive. In summary, the available evidence is currently insufficient to determine the role of this variant in disease. Therefore, it has been classified as a Variant of Uncertain Significance.

Ambry Genetics
Classification: Uncertain significance for Inborn genetic diseases. Last evaluated: 2023-10-02. Review status: criteria provided, single submitter. Criteria: Ambry Variant Classification Scheme 2023. Collection method: clinical testing. Allele origin: germline.

NM_000065.5(C6):c.1366G>A (p.Ala456Thr)

Gene: C6 (complement C6; minus strand). Cytogenetic location: 5p13.1.
Variant type: single nucleotide variant.
Coding change: c.1366G>A on transcript NM_000065.5 (MANE Select); coding-DNA position 1366, G replaced by A.
Protein change: p.Ala456Thr; replaces alanine 456 with threonine.
Molecular consequence: missense variant.
Genome position (GRCh38, 1-based): chr5:41,161,785, C>T on the plus strand (G>A on the coding strand, the complement: C6 is on the minus strand). VCF-style: chr5-41161785-C-T. GRCh37 (hg19) VCF-style: chr5-41161887-C-T.
Other names: c.1366G>A, p.Ala456Thr (NM_001115131.4); short protein forms A456T.
Identifiers: ClinVar variation 1957876 (VCV001957876.4), dbSNP rs775236328, ClinGen allele CA3252484.